The following is an entry in ClinVar:

NM_007294.4(BRCA1):c.5542C>T (p.Gln1848Ter)

Gene: BRCA1 (BRCA1 DNA repair associated; minus strand). Cytogenetic location: 17q21.31.
Variant type: single nucleotide variant.
Coding change: c.5542C>T on transcript NM_007294.4 (MANE Select); coding-DNA position 5542, C replaced by T.
Protein change: p.Gln1848Ter; replaces glutamine 1848 with a stop codon.
Molecular consequence: nonsense. On other transcripts: 3 prime UTR variant (1), non-coding transcript variant (1).
Genome position (GRCh38, 1-based): chr17:43,045,728, G>A on the plus strand (C>T on the coding strand, the complement: BRCA1 is on the minus strand). VCF-style: chr17-43045728-G-A. GRCh37 (hg19) VCF-style: chr17-41197745-G-A.
Other names: 5661C>T; c.*56C>T (NM_001407939.1, NM_001407940.1, NM_001407941.1 and 14 more transcripts); c.5209C>T, p.Gln1737Ter (NM_001407946.1, NM_001407947.1, NM_001407948.1 and 1 more transcripts); c.5206C>T, p.Gln1736Ter (NM_001407950.1, NM_001407951.1, NM_001407952.1 and 3 more transcripts); c.5203C>T, p.Gln1735Ter (NM_001407956.1, NM_001407957.1, NM_001407958.1); c.5161C>T, p.Gln1721Ter (NM_001407959.1); c.5158C>T, p.Gln1720Ter (NM_001407960.1, NM_001407962.1); c.5155C>T, p.Gln1719Ter (NM_001407963.1); and 75 more; short protein forms Q1848*, Q1801*, Q1869*, Q744*, Q1551*, Q1679*, Q1719*, Q1737*.
Identifiers: ClinVar variation 266562 (VCV000266562.18), dbSNP rs886040303, ClinGen allele CA10589583.

ClinVar aggregate classification (germline): Pathogenic. Review status: reviewed by expert panel (3 of 4 stars). 4 submissions from 4 submitters: Pathogenic (1). 3 of the submissions do not count toward it. Last evaluated 2016-10-18.

Conditions:
Hereditary cancer-predisposing syndrome. Also called: Hereditary Cancer Syndrome; Neoplastic Syndromes, Hereditary; Hereditary neoplastic syndrome; Tumor predisposition. Identifiers: Orphanet 140162, MedGen C0027672, MeSH D009386, MONDO:0015356.
Hereditary breast ovarian cancer syndrome. Also called: Hereditary breast and ovarian cancer syndrome (HBOC); Breast and ovarian cancer; Hereditary breast and ovarian cancer syndrome; Hereditary breast and ovarian cancer; BRCA1- and BRCA2-Associated Hereditary Breast and Ovarian Cancer; Hereditary breast and/or ovarian cancer syndrome. Identifiers: Orphanet 145, MedGen C0677776, MeSH D061325, MONDO:0003582. Disease mechanism: loss of function.
Breast-ovarian cancer, familial, susceptibility to, 1 (BROVCA1). Also called: BRCA1 Hereditary Breast and Ovarian Cancer; OVARIAN CANCER, SUSCEPTIBILITY TO. Identifiers: Orphanet 145, MedGen C2676676, MONDO:0011450, OMIM 604370. Disease mechanism: loss of function.

Submissions (5):

Evidence-based Network for the Interpretation of Germline Mutant Alleles (ENIGMA)
Classification: Pathogenic for Breast-ovarian cancer, familial, susceptibility to, 1. Last evaluated: 2016-10-18. Review status: reviewed by expert panel. Criteria: ENIGMA BRCA1/2 Classification Criteria (2015). Collection method: curation. Allele origin: germline.
Comment: Variant allele predicted to encode a truncated non-functional protein.

Ambry Genetics
Classification: Pathogenic for Hereditary cancer-predisposing syndrome. Last evaluated: 2023-08-23. Review status: criteria provided, single submitter. Criteria: Ambry Variant Classification Scheme 2023. Collection method: clinical testing. Allele origin: germline. Not counted in ClinVar's aggregate classification.
Comment: The p.Q1848* pathogenic mutation (also known as c.5542C>T), located in coding exon 22 of the BRCA1 gene, results from a C to T substitution at nucleotide position 5542. This changes the amino acid from a glutamine to a stop codon within coding exon 22. This alteration occurs at the 3' terminus of theBRCA1 gene, is not expected to trigger nonsense-mediated mRNA decay, and only impacts the last 16 amino acids of the protein. However, premature stop codons are typically deleterious in nature, and the impacted region is critical for protein function (Ambry internal data). This variant is considered to be rare based on population cohorts in the Genome Aggregation Database (gnomAD). Based on the supporting evidence, this alteration is interpreted as a disease-causing mutation.

Labcorp Genetics (formerly Invitae), Labcorp
Classification: Pathogenic for Hereditary breast ovarian cancer syndrome. Last evaluated: 2022-05-31. Review status: criteria provided, single submitter. Criteria: Invitae Variant Classification Sherloc (09022015). Collection method: clinical testing. Allele origin: germline. Not counted in ClinVar's aggregate classification.
Comment: This sequence change creates a premature translational stop signal (p.Gln1848*) in the BRCA1 gene. While this is not anticipated to result in nonsense mediated decay, it is expected to disrupt the last 16 amino acid(s) of the BRCA1 protein. For these reasons, this variant has been classified as Pathogenic. This variant disrupts a region of the BRCA1 protein in which other variant(s) (p.Tyr1853*) have been determined to be pathogenic (PMID: 7894493, 10811118, 11739404, 12400015, 21922593). This suggests that this is a clinically significant region of the protein, and that variants that disrupt it are likely to be disease-causing. Experimental studies have shown that this premature translational stop signal affects BRCA1 function (PMID: 30209399). Algorithms developed to predict the effect of variants on protein structure and function are not available or were not evaluated for this variant. ClinVar contains an entry for this variant (Variation ID: 266562). This premature translational stop signal has been observed in individual(s) with a personal and/or family history of breast and/or ovarian cancer (PMID: 29446198, 29752822). This variant is not present in population databases (gnomAD no frequency).

Consortium of Investigators of Modifiers of BRCA1/2 (CIMBA), c/o University of Cambridge
Classification: Pathogenic for Breast-ovarian cancer, familial, susceptibility to, 1. Last evaluated: 2015-10-02. Review status: criteria provided, single submitter. Criteria: CIMBA Mutation Classification guidelines May 2016. Collection method: clinical testing. Allele origin: germline. Not counted in ClinVar's aggregate classification.

Brotman Baty Institute, University of Washington
No classification provided (evidence only). Condition: Breast-ovarian cancer, familial 1. Review status: no classification provided. Collection method: in vitro. Allele origin: not applicable. Functional consequence: functionally_abnormal. Not counted in ClinVar's aggregate classification.
ClinVar note: "not provided" was previously submitted as the classification for the variant. However, the classification appeared to be based only on an observation of functional data so it was converted to no classification on 2025-07-30.

Literature cited by the submitters: PubMed 7894493 (cited by Labcorp Genetics (formerly Invitae), Labcorp); PubMed 10811118 (cited by Labcorp Genetics (formerly Invitae), Labcorp); PubMed 11739404 (cited by Labcorp Genetics (formerly Invitae), Labcorp); PubMed 12400015 (cited by Labcorp Genetics (formerly Invitae), Labcorp); PubMed 21922593 (cited by Labcorp Genetics (formerly Invitae), Labcorp); PubMed 30209399 (cited by Labcorp Genetics (formerly Invitae), Labcorp); PubMed 29446198 (cited by Labcorp Genetics (formerly Invitae), Labcorp); PubMed 29752822 (cited by Labcorp Genetics (formerly Invitae), Labcorp).